The following is an entry in ClinVar:

NM_006047.6(RBM12):c.2203C>T (p.Pro735Ser)

Genes: RBM12 (RNA binding motif protein 12; minus strand), CPNE1 (copine 1; minus strand). Cytogenetic location: 20q11.22.
Variant type: single nucleotide variant.
Coding change: c.2203C>T on transcript NM_006047.6 (MANE Select); coding-DNA position 2203, C replaced by T.
Protein change: p.Pro735Ser; replaces proline 735 with serine.
Molecular consequence: missense variant. On other transcripts: intron variant (6).
Genome position (GRCh38, 1-based): chr20:35,653,120, G>A on the plus strand (C>T on the coding strand, the complement: RBM12 is on the minus strand). VCF-style: chr20-35653120-G-A. GRCh37 (hg19) VCF-style: chr20-34241042-G-A.
Other names: c.2203C>T, p.Pro735Ser (NM_001198838.2, NM_001198840.2, NM_152838.4); c.-1+11682C>T (NM_001198863.2, NM_152926.3); c.-1+11640C>T (NM_152925.3); c.-1+5810C>T (NM_152928.3, NM_152927.3); c.15+408C>T (NM_003915.6); short protein forms P735S.
Identifiers: ClinVar variation 3027295 (VCV003027295.22), dbSNP rs773141821, ClinGen allele CA9836585.

ClinVar aggregate classification (germline): Uncertain significance (1 of 4 stars; one submission).

Allele frequency attached by ClinVar (database versions not stated): ExAC 0.00002.
gnomAD v4.1: 2 of 1,613,714 alleles (0.00012%); highest among the groups gnomAD compares: South Asian, 0.0022%; no homozygotes.

Submission:

CeGaT Center for Human Genetics Tuebingen
Classification: Uncertain significance. Last evaluated: 2024-02-01. Review status: criteria provided, single submitter. Criteria: CeGaT Center For Human Genetics Tuebingen Variant Classification Criteria Version 2. Collection method: clinical testing. Allele origin: germline. Affected: yes. Observed: 1 variant allele.
Comment: RBM12: PM2:Supporting